The following is an entry in ClinVar:

ClinVar aggregate classification (germline): Uncertain significance. Review status: criteria provided, multiple submitters, no conflicts (2 of 4 stars). 2 submissions from 2 submitters: Uncertain significance (2). Last evaluated 2023-04-29.

Conditions:
Hereditary cancer-predisposing syndrome. Also called: Neoplastic Syndromes, Hereditary; Tumor predisposition; Hereditary Cancer Syndrome; Hereditary neoplastic syndrome. Identifiers: Orphanet 140162, MedGen C0027672, MeSH D009386, MONDO:0015356.

Submissions (2):

Labcorp Genetics (formerly Invitae), Labcorp
Classification: Uncertain significance. Last evaluated: 2023-04-29. Review status: criteria provided, single submitter. Criteria: Invitae Variant Classification Sherloc (09022015). Collection method: clinical testing. Allele origin: germline.
Comment: This sequence change replaces lysine, which is basic and polar, with arginine, which is basic and polar, at codon 273 of the HOXB13 protein (p.Lys273Arg). In summary, the available evidence is currently insufficient to determine the role of this variant in disease. Therefore, it has been classified as a Variant of Uncertain Significance. Advanced modeling of protein sequence and biophysical properties (such as structural, functional, and spatial information, amino acid conservation, physicochemical variation, residue mobility, and thermodynamic stability) performed at Invitae indicates that this missense variant is not expected to disrupt HOXB13 protein function. ClinVar contains an entry for this variant (Variation ID: 1762339). This variant has not been reported in the literature in individuals affected with HOXB13-related conditions. This variant is not present in population databases (gnomAD no frequency).

Ambry Genetics
Classification: Uncertain significance for Hereditary cancer-predisposing syndrome. Last evaluated: 2022-04-10. Review status: criteria provided, single submitter. Criteria: Ambry Variant Classification Scheme 2023. Collection method: clinical testing. Allele origin: germline.
Comment: The p.K273R variant (also known as c.818A>G), located in coding exon 2 of the HOXB13 gene, results from an A to G substitution at nucleotide position 818. The lysine at codon 273 is replaced by arginine, an amino acid with highly similar properties. This amino acid position is conserved. In addition, this alteration is predicted to be deleterious by in silico analysis. Since supporting evidence is limited at this time, the clinical significance of this alteration remains unclear.

NM_006361.6(HOXB13):c.818A>G (p.Lys273Arg)

Gene: HOXB13 (homeobox B13; minus strand). Cytogenetic location: 17q21.32.
Variant type: single nucleotide variant.
Coding change: c.818A>G on transcript NM_006361.6 (MANE Select); coding-DNA position 818, A replaced by G.
Protein change: p.Lys273Arg; replaces lysine 273 with arginine.
Molecular consequence: missense variant.
Genome position (GRCh38, 1-based): chr17:48,726,827, T>C on the plus strand (A>G on the coding strand, the complement: HOXB13 is on the minus strand). VCF-style: chr17-48726827-T-C. GRCh37 (hg19) VCF-style: chr17-46804189-T-C.
Other names: short protein forms K273R.
Identifiers: ClinVar variation 1762339 (VCV001762339.5), dbSNP rs2143065331, ClinGen allele CA400105413.